The following is an entry in ClinVar:

NM_012281.3(KCND2):c.1694A>C (p.Glu565Ala)

Gene: KCND2 (potassium voltage-gated channel subfamily D member 2; plus strand). Cytogenetic location: 7q31.31.
Variant type: single nucleotide variant.
Coding change: c.1694A>C on transcript NM_012281.3 (MANE Select); coding-DNA position 1694, A replaced by C.
Protein change: p.Glu565Ala; replaces glutamic acid 565 with alanine.
Molecular consequence: missense variant.
Genome position (GRCh38, 1-based): chr7:120,746,006, A>C. VCF-style: chr7-120746006-A-C. GRCh37 (hg19) VCF-style: chr7-120386060-A-C.
Other names: short protein forms E565A.
Identifiers: ClinVar variation 4057108 (VCV004057108.1).

ClinVar aggregate classification (germline): Uncertain significance (1 of 4 stars; one submission).

Submission:

GeneDx
Classification: Uncertain significance. Last evaluated: 2025-01-09. Review status: criteria provided, single submitter. Criteria: GeneDx Variant Classification Process June 2021. Collection method: clinical testing. Allele origin: germline. Affected: yes.
Comment: Not observed at significant frequency in large population cohorts (gnomAD); In silico analysis indicates that this missense variant does not alter protein structure/function; Has not been previously published as pathogenic or benign to our knowledge